The following is an entry in ClinVar:

NM_015443.4(KANSL1):c.3011C>T (p.Pro1004Leu)

Gene: KANSL1 (KAT8 regulatory NSL complex subunit 1). Cytogenetic location: 17q21.31.
Variant type: single nucleotide variant.
Coding change: c.3011C>T on transcript NM_015443.4 (MANE Select); coding-DNA position 3011, C replaced by T.
Protein change: p.Pro1004Leu; replaces proline 1004 with leucine.
Molecular consequence: missense variant.
Genome position (GRCh38, 1-based): chr17:46,032,126, G>A on the plus strand (C>T on the coding strand, the complement: KANSL1 is on the minus strand). VCF-style: chr17-46032126-G-A. GRCh37 (hg19) VCF-style: chr17-44109492-G-A.
Other names: c.3008C>T, p.Pro1003Leu (NM_001193465.2); c.3011C>T, p.Pro1004Leu (NM_001193466.2, NM_001379198.1); short protein forms P1003L, P1004L.
Identifiers: ClinVar variation 1301589 (VCV001301589.6), dbSNP rs573432386, ClinGen allele CA8618404.

ClinVar aggregate classification (germline): Uncertain significance. Review status: criteria provided, multiple submitters, no conflicts (2 of 4 stars). 3 submissions from 3 submitters: Uncertain significance (3). Last evaluated 2024-06-28.

Conditions:
Inborn genetic diseases. Identifiers: MedGen C0950123, MeSH D030342.
Koolen-de Vries syndrome (KDVS). Identifiers: Orphanet 96169, MedGen C1864871, MONDO:0012496, OMIM 610443.

Allele frequency attached by ClinVar (database versions not stated): gnomAD 0.00001; gnomAD exomes 0.00001; ExAC 0.00002; 1000 Genomes Project 30x 0.00016; 1000 Genomes Project 0.00020.
gnomAD v4.1: 10 of 1,614,100 alleles (0.00062%); highest among the groups gnomAD compares: South Asian, 0.0088%; no homozygotes.

Submissions (3):

Ambry Genetics
Classification: Uncertain significance for Inborn genetic diseases. Last evaluated: 2024-06-28. Review status: criteria provided, single submitter. Criteria: Ambry Variant Classification Scheme 2023. Collection method: clinical testing. Allele origin: germline.

Labcorp Genetics (formerly Invitae), Labcorp
Classification: Uncertain significance for Koolen-de Vries syndrome. Last evaluated: 2023-04-14. Review status: criteria provided, single submitter. Criteria: Invitae Variant Classification Sherloc (09022015). Collection method: clinical testing. Allele origin: germline.
Comment: In summary, the available evidence is currently insufficient to determine the role of this variant in disease. Therefore, it has been classified as a Variant of Uncertain Significance. Advanced modeling of protein sequence and biophysical properties (such as structural, functional, and spatial information, amino acid conservation, physicochemical variation, residue mobility, and thermodynamic stability) performed at Invitae indicates that this missense variant is not expected to disrupt KANSL1 protein function. ClinVar contains an entry for this variant (Variation ID: 1301589). This variant has not been reported in the literature in individuals affected with KANSL1-related conditions. This variant is present in population databases (rs573432386, gnomAD 0.01%). This sequence change replaces proline, which is neutral and non-polar, with leucine, which is neutral and non-polar, at codon 1004 of the KANSL1 protein (p.Pro1004Leu).

Dubai Health Genomic Medicine Center, Dubai Health
Classification: Uncertain significance for Koolen-de Vries syndrome. Last evaluated: 2020-10-14. Review status: criteria provided, single submitter. Criteria: ACMG Guidelines, 2015. Collection method: clinical testing. Allele origin: germline. Affected: yes.
Comment: The p.Pro1004Leu missense variant in KANSL1 has not been previously reported in affected individuals but was identified in 1/11841 (0.05%) alleles in the Greater Middle East (GME) variome database. Computational prediction tools and conservation analysis suggest a possible impact to protein function though this information is not predictive enough to confirm pathogenicity. In summary additional information is needed to fully assess its clinical significance.